The following is an entry in ClinVar:

NM_014679.5(CEP57):c.68G>C (p.Arg23Thr)

Gene: CEP57 (centrosomal protein 57; plus strand). Cytogenetic location: 11q21.
Variant type: single nucleotide variant.
Coding change: c.68G>C on transcript NM_014679.5 (MANE Select); coding-DNA position 68, G replaced by C.
Protein change: p.Arg23Thr; replaces arginine 23 with threonine.
Molecular consequence: missense variant. On other transcripts: 5 prime UTR variant (7).
Genome position (GRCh38, 1-based): chr11:95,799,254, G>C. VCF-style: chr11-95799254-G-C. GRCh37 (hg19) VCF-style: chr11-95532418-G-C.
Other names: c.41G>C, p.Arg14Thr (NM_001243776.2); c.68G>C, p.Arg23Thr (NM_001243777.2, NM_001440871.1, NM_001440872.1 and 6 more transcripts); c.-14G>C (NM_001363604.2, NM_001440869.1, NM_001440870.1 and 4 more transcripts); short protein forms R23T, R14T.
Identifiers: ClinVar variation 5034358 (VCV005034358.1).
Genomic context (GRCh38, chr11:95,799,254, plus strand): 5'-CACACTTTTGAAAGGTAATTTGTGTCTTTATTTTTTAGAACAGCTTTGCTGAGCCATCAA[G>C]GTCTAATGGAAGCATGGTTCGGCATTCTTCATCTCCATATGTAGTATATCCTTCGGATAA-3'
Protein context (NP_055494.2, residues 13-33): HLSNSFAEPS[Arg23Thr]SNGSMVRHSS

ClinVar aggregate classification (germline): Uncertain significance (1 of 4 stars; one submission).

Conditions:
Inborn genetic diseases. Identifiers: MedGen C0950123, MeSH D030342.

Submission:

Ambry Genetics
Classification: Uncertain significance for Inborn genetic diseases. Last evaluated: 2026-06-20. Review status: criteria provided, single submitter. Criteria: Ambry Variant Classification Scheme 2023. Collection method: clinical testing. Allele origin: germline.
Comment: The p.R23T variant (also known as c.68G>C), located in coding exon 2 of the CEP57 gene, results from a G to C substitution at nucleotide position 68. The arginine at codon 23 is replaced by threonine, an amino acid with similar properties. This amino acid position is conserved. In addition, this alteration is predicted to be tolerated by in silico analysis. Based on the available evidence, the clinical significance of this variant remains unclear.